The following is an entry in ClinVar:

NM_015272.5(RPGRIP1L):c.2975del (p.Pro992fs)

Gene: RPGRIP1L (RPGRIP1 like; minus strand). Cytogenetic location: 16q12.2.
Variant type: Deletion.
Coding change: c.2975del on transcript NM_015272.5 (MANE Select); coding-DNA position 2975, one base deleted (C; older notation c.2975delC).
Protein change: p.Pro992fs; shifts the reading frame from proline 992.
Molecular consequence: frameshift variant. On other transcripts: intron variant (2).
Genome position (GRCh38, 1-based): chr16:53,638,395, G deleted on the plus strand (C on the coding strand, the reverse complement: RPGRIP1L is on the minus strand); the first of 2 consecutive G bases (chr16:53,638,395-53,638,396); deleting either gives the same sequence. VCF-style (leftmost placement, unchanged base first): chr16-53638394-AG-A. GRCh37 (hg19) VCF-style: chr16-53672306-AG-A.
Other names: c.2975del (NM_015272.4); c.2975del, p.Pro992fs (NM_001308334.3); c.2959-541del (NM_001127897.4, NM_001330538.2); short protein forms P992fs.
Identifiers: ClinVar variation 4783260 (VCV004783260.2).

ClinVar aggregate classification (germline): Pathogenic/Likely pathogenic. Review status: criteria provided, multiple submitters, no conflicts (2 of 4 stars). 2 submissions from 2 submitters: Pathogenic (1); Likely pathogenic (1). Last evaluated 2025-08-24.

Conditions:
Meckel-Gruber syndrome. Also called: GRUBER SYNDROME; DYSENCEPHALIA SPLANCHNOCYSTICA; Dysencephalia splachnocystica. Identifiers: Orphanet 564, MedGen C0265215, MONDO:0018921.
Joubert syndrome. Also called: Familial aplasia of the vermis; JOUBERT-BOLTSHAUSER SYNDROME; CEREBELLOPARENCHYMAL DISORDER IV. Identifiers: Orphanet 475, MedGen C5979921, MONDO:0018772.

Submissions (2):

Labcorp Genetics (formerly Invitae), Labcorp
Classification: Pathogenic for Joubert syndrome; Meckel-Gruber syndrome. Last evaluated: 2025-08-24. Review status: criteria provided, single submitter. Criteria: Invitae Variant Classification Sherloc (09022015). Collection method: clinical testing. Allele origin: germline.
Comment: This sequence change creates a premature translational stop signal (p.Pro992Leufs*11) in the RPGRIP1L gene. It is expected to result in an absent or disrupted protein product. Loss-of-function variants in RPGRIP1L are known to be pathogenic (PMID: 17558409). This variant is not present in population databases (gnomAD no frequency). This variant has not been reported in the literature in individuals affected with RPGRIP1L-related conditions. Algorithms developed to predict the effect of sequence changes on RNA splicing suggest that this variant may disrupt the consensus splice site. For these reasons, this variant has been classified as Pathogenic.

Natera, Inc.
Classification: Likely pathogenic for Joubert syndrome. Last evaluated: 2024-10-08. Review status: criteria provided, single submitter. Criteria: Natera Variant Classification Schema (03/2026). Collection method: clinical testing. Allele origin: germline.
Comment: The c.2975del variant in RPGRIP1L is a frameshift variant predicted to shift the reading frame beginning at codon 992 and leads to a stop codon 11 codons downstream. This variant is expected to result in nonsense mediated decay, truncation, or a dysfunctional protein product. This variant is rare in the general population with a frequency below the threshold expected for the associated phenotype(s). Given the available evidence, this variant is classified as Likely Pathogenic.

Literature cited by the submitters: PubMed 17558409 (cited by Labcorp Genetics (formerly Invitae), Labcorp).